The following is an entry in ClinVar:

ClinVar aggregate classification (germline): Benign (1 of 4 stars; one submission).

Allele frequency attached by ClinVar (database versions not stated): gnomAD 0.25488 and 0.25604; ESP Exome Variant Server 0.45120; 1000 Genomes Project 30x 0.46705; gnomAD exomes 0.49459; 1000 Genomes Project 0.52316; ExAC 0.55714.

Submission:

GeneDx
Classification: Benign. Last evaluated: 2020-07-15. Review status: criteria provided, single submitter. Criteria: GeneDx Variant Classification Process June 2021. Collection method: clinical testing. Allele origin: germline. Affected: yes.
Comment: This variant is associated with the following publications: (PMID: 25349203)

NM_002122.5(HLA-DQA1):c.101G>A (p.Cys34Tyr)

Gene: HLA-DQA1 (major histocompatibility complex, class II, DQ alpha 1; plus strand). Cytogenetic location: 6p21.32.
Variant type: single nucleotide variant.
Coding change: c.101G>A on transcript NM_002122.5 (MANE Select); coding-DNA position 101, G replaced by A.
Protein change: p.Cys34Tyr; replaces cysteine 34 with tyrosine.
Molecular consequence: missense variant.
Genome position (GRCh38, 1-based): chr6:32,641,328, G>A. VCF-style: chr6-32641328-G-A. GRCh37 (hg19) VCF-style: chr6-32609105-G-A.
Other names: short protein forms C34Y.
Identifiers: ClinVar variation 1258533 (VCV001258533.2), dbSNP rs1129740, ClinGen allele CA3743738.